The following is an entry in ClinVar:

NM_001159699.2(FHL1):c.59A>G (p.Lys20Arg)

Gene: FHL1 (four and a half LIM domains 1; plus strand). Cytogenetic location: Xq26.3.
Variant type: single nucleotide variant.
Coding change: c.59A>G on transcript NM_001159699.2 (MANE Select); coding-DNA position 59, A replaced by G.
Protein change: p.Lys20Arg; replaces lysine 20 with arginine.
Molecular consequence: missense variant. On other transcripts: non-coding transcript variant (1).
Genome position (GRCh38, 1-based): chrX:136,206,443, A>G. VCF-style: chrX-136206443-A-G. GRCh37 (hg19) VCF-style: chrX-135288602-A-G.
Other names: c.11A>G, p.Lys4Arg (NM_001159700.2, NM_001159702.3, NM_001159703.2 and 9 more transcripts); c.98A>G, p.Lys33Arg (NM_001159701.2); c.59A>G, p.Lys20Arg (NM_001330659.2); short protein forms K20R, K33R, K4R.
Identifiers: ClinVar variation 665560 (VCV000665560.12), dbSNP rs1230410861, ClinGen allele CA414607346.
Genomic context (GRCh38, chrX:136,206,443, plus strand): 5'-TGTCCTGTCTGCTTGCCCCCGCAGGTCCCTCCAGCTACAAGGTGGGCACCATGGCGGAGA[A>G]GTTTGACTGCCACTACTGCAGGGATCCCTTGCAGGGGAAGAAGTATGTGCAAAAGGATGG-3'
Protein context (NP_001153171.1, residues 10-30): SSYKVGTMAE[Lys20Arg]FDCHYCRDPL

ClinVar aggregate classification (germline): Uncertain significance. Review status: criteria provided, multiple submitters, no conflicts (2 of 4 stars). 3 submissions from 3 submitters: Uncertain significance (3). Last evaluated 2021-07-19.

Conditions:
X-linked scapuloperoneal muscular dystrophy. Also called: SCAPULOPERONEAL MYOPATHY, FHL1-RELATED. Identifiers: Orphanet 431272, MedGen C2678061, MONDO:0010400, OMIM 300695.
Myopathy, reducing body, X-linked, childhood-onset (RBMX1B). Also called: REDUCING BODY MYOPATHY, X-LINKED 1B, WITH LATE CHILDHOOD OR ADULT ONSET. Identifiers: Orphanet 97239, MedGen C4225159, MONDO:0010415, OMIM 300718.
Myopathy, reducing body, X-linked, early-onset, severe (RBMX1A). Also called: REDUCING BODY MYOPATHY, X-LINKED 1, SEVERE, WITH INFANTILE OR EARLY CHILDHOOD ONSET. Identifiers: Orphanet 97239, MedGen C4225423, MONDO:0010414, OMIM 300717.
X-linked myopathy with postural muscle atrophy. Also called: FHL1-Related Emery-Dreifuss Muscular Dystrophy, X-Linked. Identifiers: Orphanet 178461, MedGen C2678055, MONDO:0010401, OMIM 300696.
Uruguay Faciocardiomusculoskeletal syndrome. Identifiers: MedGen C1846010, MONDO:0010292, OMIM 300280.

Allele frequency attached by ClinVar (database versions not stated): TOPMed 0.00001; gnomAD 0.00002.
gnomAD v4.1: 2 of 1,210,834 alleles (0.00017%); highest among the groups gnomAD compares: African/African-American, 0.0035%; no homozygotes.

Submissions (3):

Fulgent Genetics
Classification: Uncertain significance for Uruguay Faciocardiomusculoskeletal syndrome; X-linked scapuloperoneal muscular dystrophy; X-linked myopathy with postural muscle atrophy; Myopathy, reducing body, X-linked, early-onset, severe; Myopathy, reducing body, X-linked, childhood-onset. Last evaluated: 2021-07-19. Review status: criteria provided, single submitter. Criteria: ACMG Guidelines, 2015. Collection method: clinical testing. Allele origin: unknown.

Labcorp Genetics (formerly Invitae), Labcorp
Classification: Uncertain significance for X-linked myopathy with postural muscle atrophy. Last evaluated: 2020-09-13. Review status: criteria provided, single submitter. Criteria: Invitae Variant Classification Sherloc (09022015). Collection method: clinical testing. Allele origin: germline.
Comment: This variant is not present in population databases (ExAC no frequency). In summary, the available evidence is currently insufficient to determine the role of this variant in disease. Therefore, it has been classified as a Variant of Uncertain Significance. Algorithms developed to predict the effect of missense changes on protein structure and function (SIFT, PolyPhen-2, Align-GVGD) all suggest that this variant is likely to be tolerated, but these predictions have not been confirmed by published functional studies and their clinical significance is uncertain. This variant has not been reported in the literature in individuals with FHL1-related disease. This sequence change replaces lysine with arginine at codon 4 of the FHL1 protein (p.Lys4Arg). The lysine residue is moderately conserved and there is a small physicochemical difference between lysine and arginine.

Revvity Omics, Revvity
Classification: Uncertain significance. Last evaluated: 2020-03-26. Review status: criteria provided, single submitter. Criteria: ACMG Guidelines, 2015. Collection method: clinical testing. Allele origin: germline.